The following is an entry in ClinVar:

ClinVar aggregate classification (germline): Likely pathogenic (1 of 4 stars; one submission).

Conditions:
Fleck corneal dystrophy (CFD). Also called: CORNEAL DYSTROPHY, FRANCOIS-NEETENS SPECKLED OR FLECKED. Identifiers: Orphanet 98970, MedGen C1562113, MONDO:0007376, OMIM 121850.

Submission:

Dasa
Classification: Likely pathogenic for Fleck corneal dystrophy. Last evaluated: 2022-11-03. Review status: criteria provided, single submitter. Criteria: ACMG Guidelines, 2015. Collection method: clinical testing. Allele origin: germline. Observed: 1 variant allele.
Comment: The c.904C>T;p.(Arg302*) variant creates a premature translational stop signal in the PIKFYVE gene. It is expected to result in an absent or disrupted protein product - PVS1. The variant is present at low allele frequencies population databases (rs1195336213 – gnomAD 0.00006574%; ABraOM no frequency) - PM2_supporting. In summary, the currently available evidence indicates that the variant is likely pathogenic.

NM_015040.4(PIKFYVE):c.904C>T (p.Arg302Ter)

Gene: PIKFYVE (phosphoinositide kinase, FYVE-type zinc finger containing; plus strand). Cytogenetic location: 2q34.
Variant type: single nucleotide variant.
Coding change: c.904C>T on transcript NM_015040.4 (MANE Select); coding-DNA position 904, C replaced by T.
Protein change: p.Arg302Ter; replaces arginine 302 with a stop codon.
Molecular consequence: nonsense.
Genome position (GRCh38, 1-based): chr2:208,288,811, C>T. VCF-style: chr2-208288811-C-T. GRCh37 (hg19) VCF-style: chr2-209153535-C-T.
Other names: c.904C>T, p.Arg302Ter (NM_001178000.2); c.613C>T, p.Arg205Ter (NM_152671.4); short protein forms R302*, R205*.
Identifiers: ClinVar variation 1723222 (VCV001723222.2), dbSNP rs1195336213, ClinGen allele CA350103187.